The following is an entry in ClinVar:

NM_021625.5(TRPV4):c.1989C>T (p.Ser663=)

Gene: TRPV4 (transient receptor potential cation channel subfamily V member 4; minus strand). Cytogenetic location: 12q24.11.
Variant type: single nucleotide variant.
Coding change: c.1989C>T on transcript NM_021625.5 (MANE Select); coding-DNA position 1989, C replaced by T.
Protein change: p.Ser663=; no amino-acid change (serine 663 retained).
Molecular consequence: synonymous variant.
Genome position (GRCh38, 1-based): chr12:109,788,619, G>A on the plus strand (C>T on the coding strand, the complement: TRPV4 is on the minus strand). VCF-style: chr12-109788619-G-A. GRCh37 (hg19) VCF-style: chr12-110226424-G-A.
Other names: c.1887C>T, p.Ser629= (NM_001177431.2); c.1668C>T, p.Ser556= (NM_001177433.2); c.1809C>T, p.Ser603= (NM_147204.3); c.1848C>T, p.Ser616= (NM_001177428.2).
Identifiers: ClinVar variation 1060616 (VCV001060616.32), dbSNP rs778560334, ClinGen allele CA6780038.

ClinVar aggregate classification (germline): Likely benign. Review status: criteria provided, multiple submitters, no conflicts (2 of 4 stars). 2 submissions from 2 submitters: Likely benign (2). Last evaluated 2025-07-01.

Conditions:
Charcot-Marie-Tooth disease axonal type 2C (HMSN2C). Also called: CHARCOT-MARIE-TOOTH DISEASE, AXONAL, AUTOSOMAL DOMINANT, TYPE 2C; Charcot-Marie-Tooth Neuropathy Type 2C; Charcot-Marie-Tooth Disease Type 2, TRPV4-Related (CMT2C). Identifiers: Orphanet 99937, MedGen C1853710, MONDO:0011633, OMIM 606071.

Allele frequency attached by ClinVar (database versions not stated): TOPMed below 0.00001; ExAC 0.00001; gnomAD exomes 0.00001; gnomAD 0.00003 and 0.00004.
gnomAD v4.1: 14 of 1,614,120 alleles (0.00087%); highest among the groups gnomAD compares: Middle Eastern, 0.016%; no homozygotes.

Submissions (2):

CeGaT Center for Human Genetics Tuebingen
Classification: Likely benign. Last evaluated: 2025-07-01. Review status: criteria provided, single submitter. Criteria: CeGaT Center For Human Genetics Tuebingen Variant Classification Criteria Version 2. Collection method: clinical testing. Allele origin: germline. Affected: yes. Observed: 2 variant alleles.
Comment: TRPV4: BP4

Labcorp Genetics (formerly Invitae), Labcorp
Classification: Likely benign for Charcot-Marie-Tooth disease axonal type 2C. Last evaluated: 2024-02-17. Review status: criteria provided, single submitter. Criteria: Invitae Variant Classification Sherloc (09022015). Collection method: clinical testing. Allele origin: germline.